The following is an entry in ClinVar:

NM_001042492.3(NF1):c.6010A>G (p.Thr2004Ala)

Gene: NF1 (neurofibromin 1; plus strand). Cytogenetic location: 17q11.2.
Variant type: single nucleotide variant.
Coding change: c.6010A>G on transcript NM_001042492.3 (MANE Select); coding-DNA position 6010, A replaced by G.
Protein change: p.Thr2004Ala; replaces threonine 2004 with alanine.
Molecular consequence: missense variant.
Genome position (GRCh38, 1-based): chr17:31,336,336, A>G. VCF-style: chr17-31336336-A-G. GRCh37 (hg19) VCF-style: chr17-29663354-A-G.
Other names: c.5947A>G, p.Thr1983Ala (NM_000267.4); short protein forms T1983A, T2004A.
Identifiers: ClinVar variation 2764499 (VCV002764499.3), dbSNP rs2069668251, ClinGen allele CA399011003.

ClinVar aggregate classification (germline): Uncertain significance (1 of 4 stars; one submission).

Conditions:
Neurofibromatosis, type 1 (NF1). Also called: VON RECKLINGHAUSEN DISEASE; Neurofibromatosis, type I; NEUROFIBROMATOSIS, TYPE I, SOMATIC; Peripheral type neurofibromatosis. Identifiers: Orphanet 636, MedGen C0027831, MONDO:0018975, OMIM 162200. Disease mechanism: loss of function.

Submission:

Labcorp Genetics (formerly Invitae), Labcorp
Classification: Uncertain significance for Neurofibromatosis, type 1. Last evaluated: 2023-08-28. Review status: criteria provided, single submitter. Criteria: Invitae Variant Classification Sherloc (09022015). Collection method: clinical testing. Allele origin: germline.
Comment: This variant has not been reported in the literature in individuals affected with NF1-related conditions. This variant is not present in population databases (gnomAD no frequency). This sequence change replaces threonine, which is neutral and polar, with alanine, which is neutral and non-polar, at codon 1983 of the NF1 protein (p.Thr1983Ala). Advanced modeling of protein sequence and biophysical properties (such as structural, functional, and spatial information, amino acid conservation, physicochemical variation, residue mobility, and thermodynamic stability) has been performed at Invitae for this missense variant, however the output from this modeling did not meet the statistical confidence thresholds required to predict the impact of this variant on NF1 protein function. In summary, the available evidence is currently insufficient to determine the role of this variant in disease. Therefore, it has been classified as a Variant of Uncertain Significance.